The following is an entry in ClinVar:

NM_138477.4(CDAN1):c.3556G>A (p.Gly1186Arg)

Gene: CDAN1 (codanin 1; minus strand). Cytogenetic location: 15q15.2.
Variant type: single nucleotide variant.
Coding change: c.3556G>A on transcript NM_138477.4 (MANE Select); coding-DNA position 3556, G replaced by A.
Protein change: p.Gly1186Arg; replaces glycine 1186 with arginine.
Molecular consequence: missense variant.
Genome position (GRCh38, 1-based): chr15:42,725,146, C>T on the plus strand (G>A on the coding strand, the complement: CDAN1 is on the minus strand). VCF-style: chr15-42725146-C-T. GRCh37 (hg19) VCF-style: chr15-43017344-C-T.
Other names: short protein forms G1186R.
Identifiers: ClinVar variation 1033086 (VCV001033086.7), dbSNP rs371901013, ClinGen allele CA7515095.

ClinVar aggregate classification (germline): Uncertain significance. Review status: criteria provided, multiple submitters, no conflicts (2 of 4 stars). 4 submissions from 4 submitters: Uncertain significance (4). Last evaluated 2024-07-31.

Conditions:
Anemia, congenital dyserythropoietic, type 1a (CDAN1A). Also called: DYSERYTHROPOIETIC ANEMIA, CONGENITAL, TYPE Ia; CDAN1-Related Congenital Dyserythropoietic Anemia. Identifiers: MedGen C5574667, MONDO:0009135, OMIM 224120.
Inborn genetic diseases. Identifiers: MedGen C0950123, MeSH D030342.

Allele frequency attached by ClinVar (database versions not stated): gnomAD exomes 0.00006; ExAC 0.00008; ESP Exome Variant Server 0.00015; gnomAD 0.00029 and 0.00033; TOPMed 0.00032.
gnomAD v4.1: 82 of 1,612,896 alleles (0.0051%); highest among the groups gnomAD compares: African/African-American, 0.1%; no homozygotes.

Submissions (4):

Ambry Genetics
Classification: Uncertain significance for Inborn genetic diseases. Last evaluated: 2024-07-31. Review status: criteria provided, single submitter. Criteria: Ambry Variant Classification Scheme 2023. Collection method: clinical testing. Allele origin: germline.

Labcorp Genetics (formerly Invitae), Labcorp
Classification: Uncertain significance. Last evaluated: 2022-04-28. Review status: criteria provided, single submitter. Criteria: Invitae Variant Classification Sherloc (09022015). Collection method: clinical testing. Allele origin: germline.
Comment: This sequence change replaces glycine, which is neutral and non-polar, with arginine, which is basic and polar, at codon 1186 of the CDAN1 protein (p.Gly1186Arg). This variant is present in population databases (rs371901013, gnomAD 0.1%). This variant has not been reported in the literature in individuals affected with CDAN1-related conditions. ClinVar contains an entry for this variant (Variation ID: 1033086). Algorithms developed to predict the effect of missense changes on protein structure and function output the following: SIFT: "Tolerated"; PolyPhen-2: "Benign"; Align-GVGD: "Class C0". The arginine amino acid residue is found in multiple mammalian species, which suggests that this missense change does not adversely affect protein function. In summary, the available evidence is currently insufficient to determine the role of this variant in disease. Therefore, it has been classified as a Variant of Uncertain Significance.

ARUP Laboratories, Molecular Genetics and Genomics, ARUP Laboratories
Classification: Uncertain significance for Anemia, congenital dyserythropoietic, type 1a. Last evaluated: 2022-04-07. Review status: criteria provided, single submitter. Criteria: ARUP Molecular Germline Variant Investigation Process 2021. Collection method: clinical testing. Allele origin: germline.

Baylor Genetics
Classification: Uncertain significance for Anemia, congenital dyserythropoietic, type 1a. Last evaluated: 2018-09-26. Review status: criteria provided, single submitter. Criteria: ACMG Guidelines, 2015. Collection method: clinical testing. Allele origin: unknown. Affected: yes.
Comment: This variant was determined to be of uncertain significance according to ACMG Guidelines, 2015 [PMID:25741868].